The following is an entry in ClinVar:

ClinVar aggregate classification (germline): Uncertain significance (1 of 4 stars; one submission).

Conditions:
Wilson disease (WND). Also called: Wilson's disease. Identifiers: Orphanet 905, MedGen C0019202, MONDO:0010200, OMIM 277900. Disease mechanism: loss of function.

gnomAD v4.1: 2 of 1,614,186 alleles (0.00012%); highest among the groups gnomAD compares: South Asian, 0.0022%; no homozygotes.

Submission:

Color Diagnostics, LLC DBA Color Health
Classification: Uncertain significance for Wilson disease. Last evaluated: 2025-06-30. Review status: criteria provided, single submitter. Criteria: ACMG Guidelines, 2015. Collection method: clinical testing. Allele origin: germline.
Comment: This missense variant replaces threonine with isoleucine at codon 153 of the ATP7B protein. Computational prediction suggests that this variant may have deleterious impact on protein structure and function. To our knowledge, functional studies have not been reported for this variant. This variant has not been reported in individuals affected with ATP7B-related disorders in the literature. This variant has not been identified in the general population by the Genome Aggregation Database (gnomAD). The available evidence is insufficient to determine the role of this variant in disease conclusively. Therefore, this variant is classified as a Variant of Uncertain Significance.

NM_000053.4(ATP7B):c.458C>T (p.Thr153Ile)

Gene: ATP7B (ATPase copper transporting beta; minus strand). Cytogenetic location: 13q14.3.
Variant type: single nucleotide variant.
Coding change: c.458C>T on transcript NM_000053.4 (MANE Select); coding-DNA position 458, C replaced by T.
Protein change: p.Thr153Ile; replaces threonine 153 with isoleucine.
Molecular consequence: missense variant.
Genome position (GRCh38, 1-based): chr13:51,974,762, G>A on the plus strand (C>T on the coding strand, the complement: ATP7B is on the minus strand). VCF-style: chr13-51974762-G-A. GRCh37 (hg19) VCF-style: chr13-52548898-G-A.
Other names: c.458C>T, p.Thr153Ile (NM_001005918.3, NM_001243182.2, NM_001330578.2 and 30 more transcripts); c.362C>T, p.Thr121Ile (NM_001406517.1, NM_001406518.1, NM_001406536.1 and 4 more transcripts); short protein forms T121I, T153I.
Identifiers: ClinVar variation 4758517 (VCV004758517.1).